The following is an entry in ClinVar:

NM_001199138.2(NLRC4):c.1082C>A (p.Thr361Lys)

Gene: NLRC4 (NLR family CARD domain containing 4; minus strand). Cytogenetic location: 2p22.3.
Variant type: single nucleotide variant.
Coding change: c.1082C>A on transcript NM_001199138.2 (MANE Select); coding-DNA position 1082, C replaced by A.
Protein change: p.Thr361Lys; replaces threonine 361 with lysine.
Molecular consequence: missense variant. On other transcripts: intron variant (1).
Genome position (GRCh38, 1-based): chr2:32,250,782, G>T on the plus strand (C>A on the coding strand, the complement: NLRC4 is on the minus strand). VCF-style: chr2-32250782-G-T. GRCh37 (hg19) VCF-style: chr2-32475851-G-T.
Other names: c.1082C>A, p.Thr361Lys (NM_001199139.2, NM_021209.5); c.262+1637C>A (NM_001302504.1); short protein forms T361K.
Identifiers: ClinVar variation 3755916 (VCV003755916.2).

ClinVar aggregate classification (germline): Uncertain significance (1 of 4 stars; one submission).

Conditions:
Periodic fever-infantile enterocolitis-autoinflammatory syndrome. Also called: Autoinflammation with infantile enterocolitis. Identifiers: Orphanet 436166, MedGen C4015067, MONDO:0014472, OMIM 616050.
Familial cold autoinflammatory syndrome 4 (FCAS4). Identifiers: Orphanet 47045, Orphanet 576349, MedGen C4015276, MONDO:0014498, OMIM 616115.

Submission:

Labcorp Genetics (formerly Invitae), Labcorp
Classification: Uncertain significance for Periodic fever-infantile enterocolitis-autoinflammatory syndrome; Familial cold autoinflammatory syndrome 4. Last evaluated: 2024-04-25. Review status: criteria provided, single submitter. Criteria: Invitae Variant Classification Sherloc (09022015). Collection method: clinical testing. Allele origin: germline.
Comment: This sequence change replaces threonine, which is neutral and polar, with lysine, which is basic and polar, at codon 361 of the NLRC4 protein (p.Thr361Lys). This variant is not present in population databases (gnomAD no frequency). This variant has not been reported in the literature in individuals affected with NLRC4-related conditions. Advanced modeling of protein sequence and biophysical properties (such as structural, functional, and spatial information, amino acid conservation, physicochemical variation, residue mobility, and thermodynamic stability) performed at Invitae indicates that this missense variant is not expected to disrupt NLRC4 protein function with a negative predictive value of 80%. In summary, the available evidence is currently insufficient to determine the role of this variant in disease. Therefore, it has been classified as a Variant of Uncertain Significance.